The following is an entry in ClinVar:

NM_004517.4(ILK):c.206C>T (p.Thr69Ile)

Genes: TAF10 (TATA-box binding protein associated factor 10; minus strand), ILK (integrin linked kinase; plus strand). Cytogenetic location: 11p15.4.
Variant type: single nucleotide variant.
Coding change: c.206C>T on transcript NM_004517.4 (MANE Select); coding-DNA position 206, C replaced by T.
Protein change: p.Thr69Ile; replaces threonine 69 with isoleucine.
Molecular consequence: missense variant. On other transcripts: 3 prime UTR variant (1), intron variant (1).
Genome position (GRCh38, 1-based): chr11:6,608,162, C>T. VCF-style: chr11-6608162-C-T. GRCh37 (hg19) VCF-style: chr11-6629392-C-T.
Other names: c.206C>T, p.Thr69Ile (NM_001014794.3, NM_001014795.3, NM_001278441.2); c.*2760G>A (NM_006284.4); c.-147-232C>T (NM_001278442.2); short protein forms T69I.
Identifiers: ClinVar variation 463181 (VCV000463181.9), dbSNP rs763031937, ClinGen allele CA5857975.

ClinVar aggregate classification (germline): Uncertain significance (1 of 4 stars; one submission).

Conditions:
Primary familial hypertrophic cardiomyopathy (HCM). Identifiers: Orphanet 99739, MedGen C0949658, MeSH D024741, MONDO:0024573. Inheritance: Various modes of inheritance.

Allele frequency attached by ClinVar (database versions not stated): TOPMed 0.00001.
gnomAD v4.1: 3 of 1,613,828 alleles (0.00019%); highest among the groups gnomAD compares: East Asian, 0.0045%; no homozygotes.

Submission:

Labcorp Genetics (formerly Invitae), Labcorp
Classification: Uncertain significance for Primary familial hypertrophic cardiomyopathy. Last evaluated: 2025-08-21. Review status: criteria provided, single submitter. Criteria: Invitae Variant Classification Sherloc (09022015). Collection method: clinical testing. Allele origin: germline.
Comment: This sequence change replaces threonine, which is neutral and polar, with isoleucine, which is neutral and non-polar, at codon 69 of the ILK protein (p.Thr69Ile). This variant is present in population databases (rs763031937, gnomAD 0.006%). This variant has not been reported in the literature in individuals affected with ILK-related conditions. ClinVar contains an entry for this variant (Variation ID: 463181). An algorithm developed to predict the effect of missense changes on protein structure and function (PolyPhen-2) suggests that this variant is likely to be disruptive. In summary, the available evidence is currently insufficient to determine the role of this variant in disease. Therefore, it has been classified as a Variant of Uncertain Significance.